The following is an entry in ClinVar:

NM_002608.4(PDGFB):c.434A>C (p.Gln145Pro)

Gene: PDGFB (platelet derived growth factor subunit B; minus strand). Cytogenetic location: 22q13.1.
Variant type: single nucleotide variant.
Coding change: c.434A>C on transcript NM_002608.4 (MANE Select); coding-DNA position 434, A replaced by C.
Protein change: p.Gln145Pro; replaces glutamine 145 with proline.
Molecular consequence: missense variant.
Genome position (GRCh38, 1-based): chr22:39,231,644, T>G on the plus strand (A>C on the coding strand, the complement: PDGFB is on the minus strand). VCF-style: chr22-39231644-T-G. GRCh37 (hg19) VCF-style: chr22-39627649-T-G.
Other names: c.389A>C, p.Gln130Pro (NM_033016.3); short protein forms Q130P, Q145P.
Identifiers: ClinVar variation 2585196 (VCV002585196.1), dbSNP rs116555717, ClinGen allele CA411600487.

ClinVar aggregate classification (germline): Uncertain significance (1 of 4 stars; one submission).

Conditions:
Idiopathic basal ganglia calcification 1 (PFBC1A). Also called: Familial Idiopathic Basal Ganglia Calcification 2; Fahr's syndrome; Cerebral calcification nonarteriosclerotic idiopathic adult-onset; Striopallidodentate calcinosis autosomal dominant adult-onset; Ferrocalcinosis, cerebrovascular; Fahr disease, familial (formerly). Identifiers: Orphanet 1980, MedGen C4551624, MONDO:0024538, OMIM 213600.

Submission:

Neuberg Centre For Genomic Medicine, NCGM
Classification: Uncertain significance for Idiopathic basal ganglia calcification 1. Review status: criteria provided, single submitter. Criteria: ACMG Guidelines, 2015. Collection method: clinical testing. Allele origin: germline. Inheritance: Autosomal dominant inheritance. Affected: yes.
Comment: The missense variant c.434A>C (p.Gln145Pro) in PDGFB gene has not been reported previously as a pathogenic variant nor as a benign variant, to our knowledge. The p.Gln145Pro variant is novel (not in any individuals) in gnomAD Exomes and 1000 Genomes. The amino acid Gln at position 145 is changed to a Pro changing protein sequence and it might alter its composition and physico-chemical properties. The variant is predicted to be damaging by both SIFT and PolyPhen2. The residue is conserved across species. The amino acid change p.Gln145Pro in PDGFB is predicted as conserved by GERP++ and PhyloP across 100 vertebrates. For these reasons, this variant has been classified as Variant of Uncertain Significance (VUS).